The following is an entry in ClinVar:

ClinVar aggregate classification (germline): Pathogenic (1 of 4 stars; one submission).

Conditions:
Stickler syndrome. Identifiers: Orphanet 828, MedGen C0265253, MONDO:0019354.

Submission:

Cambridge Genomics Laboratory, East Genomic Laboratory Hub, NHS Genomic Medicine Service
Classification: Pathogenic for Stickler syndrome. Last evaluated: 2026-10-06. Review status: criteria provided, single submitter. Criteria: ACGS Best Practice Guidelines for Variant Classification in Rare Disease 2020. Collection method: clinical testing. Allele origin: germline. Affected: yes.
Comment: PVS1,PM2

NM_001844.5(COL2A1):c.2645del (p.Gly882fs)

Gene: COL2A1 (collagen type II alpha 1 chain; minus strand). Cytogenetic location: 12q13.11.
Variant type: Deletion.
Coding change: c.2645del on transcript NM_001844.5 (MANE Select); coding-DNA position 2645, one base deleted (G; older notation c.2645delG).
Protein change: p.Gly882fs; shifts the reading frame from glycine 882.
Molecular consequence: frameshift variant.
Genome position (GRCh38, 1-based): chr12:47,980,043, C deleted on the plus strand (G on the coding strand, the reverse complement: COL2A1 is on the minus strand); the first of 2 consecutive C bases (chr12:47,980,043-47,980,044); deleting either gives the same sequence. VCF-style (leftmost placement, unchanged base first): chr12-47980042-AC-A. GRCh37 (hg19) VCF-style: chr12-48373825-AC-A.
Other names: c.2438del, p.Gly813fs (NM_033150.3); short protein forms G813fs, G882fs.
Identifiers: ClinVar variation 5016519 (VCV005016519.1).